The following is an entry in ClinVar:

NM_000051.4(ATM):c.1968T>C (p.Thr656=)

Gene: ATM (ATM serine/threonine kinase; plus strand). Cytogenetic location: 11q22.3.
Variant type: single nucleotide variant.
Coding change: c.1968T>C on transcript NM_000051.4 (MANE Select); coding-DNA position 1968, T replaced by C.
Protein change: p.Thr656=; no amino-acid change (threonine 656 retained).
Molecular consequence: synonymous variant.
Genome position (GRCh38, 1-based): chr11:108,253,883, T>C. VCF-style: chr11-108253883-T-C. GRCh37 (hg19) VCF-style: chr11-108124610-T-C.
Other names: c.1968T>C, p.Thr656= (NM_001351834.2).
Identifiers: ClinVar variation 820427 (VCV000820427.14), dbSNP rs1317185205, ClinGen allele CA476672389.
Genomic context (GRCh38, chr11:108,253,883, plus strand): 5'-CCAAAAAGATAAAGAAGAACTTTCATTCTCAGAAGTAGAAGAACTATTTCTTCAGACAAC[T>C]TTTGACAAGATGGACTTTTTAACCATTGTGAGAGAATGTGGTATAGAAAAGCACCAGTCC-3'
Protein context (NP_000042.3, residues 646-666): SEVEELFLQT[Thr656=]FDKMDFLTIV

ClinVar aggregate classification (germline): Benign/Likely benign. Review status: criteria provided, multiple submitters, no conflicts (2 of 4 stars). 3 submissions from 3 submitters: Benign (1); Likely benign (2). Last evaluated 2024-05-02.

Conditions:
Familial cancer of breast. Also called: Hereditary breast cancer; hereditary breast carcinoma; BREAST CANCER, FAMILIAL. Identifiers: Orphanet 227535, MedGen C0346153, MONDO:0016419, OMIM 114480. Disease mechanism: loss of function.
Hereditary cancer-predisposing syndrome. Also called: Hereditary Cancer Syndrome; Neoplastic Syndromes, Hereditary; Hereditary neoplastic syndrome; Tumor predisposition. Identifiers: Orphanet 140162, MedGen C0027672, MeSH D009386, MONDO:0015356.
Ataxia-telangiectasia syndrome (AT). Also called: Cerebello-oculocutaneous telangiectasia; Immunodeficiency with ataxia telangiectasia; Ataxia-telangiectasia, complementation group E; Ataxia-telangiectasia, complementation group D; AT, COMPLEMENTATION GROUP C; ATAXIA-TELANGIECTASIA, COMPLEMENTATION GROUP A. Identifiers: Orphanet 100, MedGen C0004135, MONDO:0008840, OMIM 208900.

gnomAD v4.1: 1 of 1,614,034 alleles (0.000062%); highest among the groups gnomAD compares: South Asian, 0.0011%; no homozygotes.

Submissions (3):

Myriad Genetics, Inc.
Classification: Benign for Familial cancer of breast. Last evaluated: 2024-05-02. Review status: criteria provided, single submitter. Criteria: Myriad Autosomal Dominant, Autosomal Recessive and X-Linked Classification Criteria (2023). Collection method: clinical testing. Allele origin: unknown.
Comment: This variant is considered benign. This variant is a silent/synonymous amino acid change and it is not expected to impact splicing.

Labcorp Genetics (formerly Invitae), Labcorp
Classification: Likely benign for Ataxia-telangiectasia syndrome. Last evaluated: 2020-08-27. Review status: criteria provided, single submitter. Criteria: Invitae Variant Classification Sherloc (09022015). Collection method: clinical testing. Allele origin: germline.

Ambry Genetics
Classification: Likely benign for Hereditary cancer-predisposing syndrome. Last evaluated: 2018-10-24. Review status: criteria provided, single submitter. Criteria: Ambry Variant Classification Scheme 2023. Collection method: clinical testing. Allele origin: germline.